The following is an entry in ClinVar:

NM_000180.4(GUCY2D):c.2129C>T (p.Ala710Val)

Gene: GUCY2D (guanylate cyclase 2D, retinal; plus strand). Cytogenetic location: 17p13.1.
Variant type: single nucleotide variant.
Coding change: c.2129C>T on transcript NM_000180.4 (MANE Select); coding-DNA position 2129, C replaced by T.
Protein change: p.Ala710Val; replaces alanine 710 with valine.
Molecular consequence: missense variant.
Genome position (GRCh38, 1-based): chr17:8,013,118, C>T. VCF-style: chr17-8013118-C-T. GRCh37 (hg19) VCF-style: chr17-7916436-C-T.
Other names: short protein forms A710V.
Identifiers: ClinVar variation 812327 (VCV000812327.2), dbSNP rs781725943, ClinGen allele CA287531867.

ClinVar aggregate classification (germline): Pathogenic. Review status: criteria provided, single submitter (1 of 4 stars). 2 submissions from 2 submitters: Pathogenic (1). 1 of the submissions does not count toward it. Last evaluated 2025-12-23.

Conditions:
Leber congenital amaurosis (LCA). Also called: Leber's amaurosis. Identifiers: Orphanet 65, MedGen C0339527, MeSH D057130, MONDO:0018998.
Cone-rod dystrophy 6 (CORD6). Also called: RETINAL CONE DYSTROPHY 2; Cone dystrophy progressive. Identifiers: Orphanet 1872, MedGen C1866293, MONDO:0011143, OMIM 601777.
Leber congenital amaurosis 1 (LCA1). Also called: Congenital absence of the rods and cones; Leber's congenital tapetoretinal degeneration; Leber's congenital tapetoretinal dysplasia; AMAUROSIS CONGENITA OF LEBER I; RETINAL BLINDNESS, CONGENITAL. Identifiers: Orphanet 65, MedGen C2931258, MONDO:0008764, OMIM 204000.

Allele frequency attached by ClinVar (database versions not stated): gnomAD exomes below 0.00001.
gnomAD v4.1: 3 of 1,612,968 alleles (0.00019%); highest among the groups gnomAD compares: African/African-American, 0.0013%; no homozygotes.

Submissions (2):

Labcorp Genetics (formerly Invitae), Labcorp
Classification: Pathogenic for Leber congenital amaurosis 1; Cone-rod dystrophy 6. Last evaluated: 2025-12-23. Review status: criteria provided, single submitter. Criteria: Invitae Variant Classification Sherloc (09022015). Collection method: clinical testing. Allele origin: germline.
Comment: This sequence change replaces alanine, which is neutral and non-polar, with valine, which is neutral and non-polar, at codon 710 of the GUCY2D protein (p.Ala710Val). This variant is not present in population databases (gnomAD no frequency). This missense change has been observed in individual(s) with Leber congenital amaurosis (PMID: 27475985). It has also been observed to segregate with disease in related individuals. ClinVar contains an entry for this variant (Variation ID: 812327). Invitae Evidence Modeling of protein sequence and biophysical properties (such as structural, functional, and spatial information, amino acid conservation, physicochemical variation, residue mobility, and thermodynamic stability) has been performed for this missense variant. However, the output from this modeling did not meet the statistical confidence thresholds required to predict the impact of this variant on GUCY2D protein function. Experimental studies have shown that this missense change affects GUCY2D function (PMID: 30319355). For these reasons, this variant has been classified as Pathogenic.

Sharon lab, Hadassah-Hebrew University Medical Center
Classification: Likely pathogenic for leber congenital amaurosis. Last evaluated: 2019-06-23. Review status: no assertion criteria provided. Collection method: research. Allele origin: inherited. Affected: yes. Not counted in ClinVar's aggregate classification.

Literature cited by the submitters: PubMed 27475985 (cited by Labcorp Genetics (formerly Invitae), Labcorp); PubMed 30319355 (cited by Labcorp Genetics (formerly Invitae), Labcorp).